The following is an entry in ClinVar:

ClinVar aggregate classification (germline): Uncertain significance (1 of 4 stars; one submission).

Allele frequency attached by ClinVar (database versions not stated): ExAC 0.00001; gnomAD 0.00002; ESP Exome Variant Server 0.00008.
gnomAD v4.1: 6 of 1,614,036 alleles (0.00037%); highest among the groups gnomAD compares: African/African-American, 0.008%; no homozygotes.

Submission:

Labcorp Genetics (formerly Invitae), Labcorp
Classification: Uncertain significance. Last evaluated: 2022-07-06. Review status: criteria provided, single submitter. Criteria: Invitae Variant Classification Sherloc (09022015). Collection method: clinical testing. Allele origin: germline.
Comment: This variant has not been reported in the literature in individuals affected with RP1-related conditions. In summary, the available evidence is currently insufficient to determine the role of this variant in disease. Therefore, it has been classified as a Variant of Uncertain Significance. Algorithms developed to predict the effect of missense changes on protein structure and function (SIFT, PolyPhen-2, Align-GVGD) all suggest that this variant is likely to be disruptive. This variant is present in population databases (rs368559909, gnomAD 0.02%). This sequence change replaces lysine, which is basic and polar, with asparagine, which is neutral and polar, at codon 443 of the RP1 protein (p.Lys443Asn).

NM_006269.2(RP1):c.1329G>C (p.Lys443Asn)

Gene: RP1 (RP1 axonemal microtubule associated; plus strand). Cytogenetic location: 8q12.1.
Variant type: single nucleotide variant.
Coding change: c.1329G>C on transcript NM_006269.2 (MANE Select); coding-DNA position 1329, G replaced by C.
Protein change: p.Lys443Asn; replaces lysine 443 with asparagine.
Molecular consequence: missense variant. On other transcripts: intron variant (1).
Genome position (GRCh38, 1-based): chr8:54,625,211, G>C. VCF-style: chr8-54625211-G-C. GRCh37 (hg19) VCF-style: chr8-55537771-G-C.
Other names: c.787+2923G>C (NM_001375654.1); short protein forms K443N.
Identifiers: ClinVar variation 1920785 (VCV001920785.5), dbSNP rs368559909, ClinGen allele CA4751357.
Genomic context (GRCh38, chr8:54,625,211, plus strand): 5'-TAGTTGGGAGAATGCTACTGTGGACACAGATATCATCCAGGGAACTCAAGACCAAGCAAA[G>C]CATCGTTTTTATAGGCCCCCTACACCTGGACTAAGAAGAGTGAGACAAAAGAAATCTGTG-3'
Protein context (NP_006260.1, residues 433-453): DIIQGTQDQA[Lys443Asn]HRFYRPPTPG